The following is an entry in ClinVar:

NM_001379451.1(BCORL1):c.521T>C (p.Phe174Ser)

Gene: BCORL1 (BCL6 corepressor like 1; plus strand). Cytogenetic location: Xq26.1.
Variant type: single nucleotide variant.
Coding change: c.521T>C on transcript NM_001379451.1 (MANE Select); coding-DNA position 521, T replaced by C.
Protein change: p.Phe174Ser; replaces phenylalanine 174 with serine.
Molecular consequence: missense variant.
Genome position (GRCh38, 1-based): chrX:130,013,293, T>C. VCF-style: chrX-130013293-T-C. GRCh37 (hg19) VCF-style: chrX-129147269-T-C.
Other names: c.521T>C, p.Phe174Ser (NM_001184772.3, NM_001379450.1, NM_021946.5); short protein forms F174S.
Identifiers: ClinVar variation 3730974 (VCV003730974.1).

ClinVar aggregate classification (germline): Uncertain significance (1 of 4 stars; one submission).

Submission:

GeneDx
Classification: Uncertain significance. Last evaluated: 2024-08-13. Review status: criteria provided, single submitter. Criteria: GeneDx Variant Classification Process June 2021. Collection method: clinical testing. Allele origin: germline. Affected: yes.
Comment: Not observed at significant frequency in large population cohorts (gnomAD); In silico analysis indicates that this missense variant does not alter protein structure/function; Has not been previously published as pathogenic or benign to our knowledge